The following is an entry in ClinVar:

NM_130384.3(ATRIP):c.1432G>A (p.Ala478Thr)

Genes: ATRIP (ATR interacting protein; plus strand), ATRIP-TREX1 (ATRIP-TREX1 readthrough; plus strand). Cytogenetic location: 3p21.31.
Variant type: single nucleotide variant.
Coding change: c.1432G>A on transcript NM_130384.3 (MANE Select); coding-DNA position 1432, G replaced by A.
Protein change: p.Ala478Thr; replaces alanine 478 with threonine.
Molecular consequence: missense variant. On other transcripts: non-coding transcript variant (1).
Genome position (GRCh38, 1-based): chr3:48,460,486, G>A. VCF-style: chr3-48460486-G-A. GRCh37 (hg19) VCF-style: chr3-48501885-G-A.
Other names: c.1051G>A, p.Ala351Thr (NM_001271022.2); c.1153G>A, p.Ala385Thr (NM_001271023.2); c.1432G>A, p.Ala478Thr (NM_032166.4); short protein forms A351T, A385T, A478T.
Identifiers: ClinVar variation 4182131 (VCV004182131.1).

ClinVar aggregate classification (germline): Uncertain significance (1 of 4 stars; one submission).

Submission:

Ambry Genetics
Classification: Uncertain significance. Last evaluated: 2025-07-15. Review status: criteria provided, single submitter. Criteria: Ambry Variant Classification Scheme 2023. Collection method: clinical testing. Allele origin: germline.
Comment: The p.A478T variant (also known as c.1432G>A), located in coding exon 8 of the ATRIP gene, results from a G to A substitution at nucleotide position 1432. The alanine at codon 478 is replaced by threonine, an amino acid with similar properties. This amino acid position is conserved. In addition, this alteration is predicted to be tolerated by in silico analysis. Based on the available evidence, the clinical significance of this variant remains unclear.